The following is an entry in ClinVar:

NM_017763.6(RNF43):c.1626C>T (p.Thr542=)

Gene: RNF43 (ring finger protein 43; minus strand). Cytogenetic location: 17q22.
Variant type: single nucleotide variant.
Coding change: c.1626C>T on transcript NM_017763.6 (MANE Select); coding-DNA position 1626, C replaced by T.
Protein change: p.Thr542=; no amino-acid change (threonine 542 retained).
Molecular consequence: synonymous variant.
Genome position (GRCh38, 1-based): chr17:58,358,150, G>A on the plus strand (C>T on the coding strand, the complement: RNF43 is on the minus strand). VCF-style: chr17-58358150-G-A. GRCh37 (hg19) VCF-style: chr17-56435511-G-A.
Other names: c.1626C>T, p.Thr542= (NM_001305544.3, NM_001438820.1, NM_001438821.1 and 1 more transcripts); c.1245C>T, p.Thr415= (NM_001305545.2, NM_001437987.1).
Identifiers: ClinVar variation 5042386 (VCV005042386.1).

ClinVar aggregate classification (germline): Benign (1 of 4 stars; one submission).

Conditions:
Sessile serrated polyposis cancer syndrome (SSPCS). Identifiers: Orphanet 157798, MedGen C4310714, MONDO:0014919, OMIM 617108.

Submission:

Myriad Genetics, Inc.
Classification: Benign for Sessile serrated polyposis cancer syndrome. Last evaluated: 2026-07-02. Review status: criteria provided, single submitter. Criteria: Myriad Autosomal Dominant, Autosomal Recessive and X-Linked Classification Criteria (2023). Collection method: clinical testing. Allele origin: unknown.
Comment: This variant is considered benign. This variant is a silent/synonymous amino acid change and it is not expected to impact splicing.